The following is an entry in ClinVar:

ClinVar aggregate classification (germline): Benign. Review status: criteria provided, multiple submitters, no conflicts (2 of 4 stars). 3 submissions from 3 submitters: Benign (2). 1 of the submissions does not count toward it. Last evaluated 2018-08-14.

Conditions:
MUC16-related disorder. Also called: MUC16-related condition.

Allele frequency attached by ClinVar (database versions not stated): ESP Exome Variant Server 0.02336; TOPMed 0.02467; 1000 Genomes Project 30x 0.02436; ExAC 0.00690; 1000 Genomes Project 0.02256; gnomAD exomes 0.00237 and 0.00570; gnomAD 0.02179 and 0.02330.

Submissions (3):

Labcorp Genetics (formerly Invitae), Labcorp
Classification: Benign. Last evaluated: 2018-08-14. Review status: criteria provided, single submitter. Criteria: Invitae Variant Classification Sherloc (09022015). Collection method: clinical testing. Allele origin: germline.

Breakthrough Genomics
Classification: Benign. Review status: criteria provided, single submitter. Criteria: ACMG Guidelines, 2015. Collection method: not provided. Allele origin: germline. Inheritance: Unknown mechanism. Affected: yes.

PreventionGenetics, part of Exact Sciences
Classification: Benign for MUC16-related condition. Last evaluated: 2019-10-01. Review status: no assertion criteria provided. Collection method: clinical testing. Allele origin: germline. Not counted in ClinVar's aggregate classification.
Comment: This variant is classified as benign based on ACMG/AMP sequence variant interpretation guidelines (Richards et al. 2015 PMID: 25741868, with internal and published modifications).

NM_001401501.2(MUC16):c.7128A>G (p.Thr2376=)

Gene: MUC16 (mucin 16, cell surface associated; minus strand). Cytogenetic location: 19p13.2.
Variant type: single nucleotide variant.
Coding change: c.7128A>G on transcript NM_001401501.2 (MANE Select); coding-DNA position 7128, A replaced by G.
Protein change: p.Thr2376=; no amino-acid change (threonine 2376 retained).
Molecular consequence: synonymous variant.
Genome position (GRCh38, 1-based): chr19:8,974,131, T>C on the plus strand (A>G on the coding strand, the complement: MUC16 is on the minus strand). VCF-style: chr19-8974131-T-C. GRCh37 (hg19) VCF-style: chr19-9084807-T-C.
Other names: c.7554A>G, p.Thr2518= (NM_001414686.1); c.7008A>G, p.Thr2336= (NM_001414687.1, NM_024690.2).
Identifiers: ClinVar variation 781427 (VCV000781427.6), dbSNP rs10401312, ClinGen allele CA9172293.
Genomic context (GRCh38, chr19:8,974,131, plus strand): 5'-GTCAAGGATATCTGAGGTTTTTACTGTAGTTTCATTATCCAGTGAAACTGTGCTGGTCTC[T>C]GTGAAACTAGCAGTGAGAACTATGGGGGAAGTGGTTGGAGCAGCAGAGGTGATTGTCCTT-3'
Protein context (NP_001388430.1, residues 2366-2386): TSPIVLTASF[Thr2376=]ETSTVSLDNE